The following is an entry in ClinVar:

ClinVar aggregate classification (germline): Uncertain significance. Review status: criteria provided, multiple submitters, no conflicts (2 of 4 stars). 3 submissions from 3 submitters: Uncertain significance (3). Last evaluated 2025-09-24.

Submissions (3):

GeneDx
Classification: Uncertain significance. Last evaluated: 2025-09-24. Review status: criteria provided, single submitter. Criteria: GeneDx Variant Classification Process June 2021. Collection method: clinical testing. Allele origin: germline. Affected: yes.
Comment: Observed in patients with optic atrophy in the published literature (PMID: 35146926); Not observed at significant frequency in large population cohorts (gnomAD); In silico analysis is inconclusive as to whether the variant alters gene splicing. In the absence of RNA/functional studies, the actual effect of this sequence change is unknown.; This variant is associated with the following publications: (PMID: 35146926)

Greenwood Genetic Center Diagnostic Laboratories, Greenwood Genetic Center
Classification: Uncertain significance. Last evaluated: 2020-12-17. Review status: criteria provided, single submitter. Criteria: ACMG Guidelines, 2015. Collection method: clinical testing. Allele origin: germline. Affected: yes.
Comment: PP3, PM2

Athena Diagnostics
Classification: Uncertain significance. Last evaluated: 2017-05-09. Review status: criteria provided, single submitter. Criteria: Athena Diagnostics Criteria. Collection method: clinical testing. Allele origin: germline.

NM_130837.3(OPA1):c.1681+5G>A

Gene: OPA1 (OPA1 mitochondrial dynamin like GTPase; plus strand). Cytogenetic location: 3q29.
Variant type: single nucleotide variant.
Coding change: c.1681+5G>A on transcript NM_130837.3 (MANE Select); 5 bases into the intron after coding-DNA position 1681, G replaced by A.
Molecular consequence: intron variant.
Genome position (GRCh38, 1-based): chr3:193,645,630, G>A. VCF-style: chr3-193645630-G-A. GRCh37 (hg19) VCF-style: chr3-193363419-G-A.
Other names: c.1144+5G>A (NM_001354664.2); c.1147+5G>A (NM_001354663.2); c.1570+5G>A (NM_130834.3); c.1627+5G>A (NM_130836.3); c.1516+5G>A (NM_015560.3); c.1573+5G>A (NM_130835.3); c.1462+5G>A (NM_130832.3); c.1519+5G>A (NM_130833.3); and 1 more.
Identifiers: ClinVar variation 447896 (VCV000447896.6), dbSNP rs1553878576, ClinGen allele CA658657365.